The following is an entry in ClinVar:

NM_001374736.1(DST):c.14260C>G (p.Pro4754Ala)

Genes: DST (dystonin; minus strand), LOC129389544 (MPRA-validated peak5860 silencer; plus strand). Cytogenetic location: 6p12.1.
Variant type: single nucleotide variant.
Coding change: c.14260C>G on transcript NM_001374736.1 (MANE Select); coding-DNA position 14260, C replaced by G.
Protein change: p.Pro4754Ala; replaces proline 4754 with alanine.
Molecular consequence: missense variant.
Genome position (GRCh38, 1-based): chr6:56,561,358, G>C on the plus strand (C>G on the coding strand, the complement: DST is on the minus strand). VCF-style: chr6-56561358-G-C. GRCh37 (hg19) VCF-style: chr6-56426156-G-C.
Other names: c.7903C>G, p.Pro2635Ala (NM_001144769.5); c.7489C>G, p.Pro2497Ala (NM_001144770.2); c.14260C>G, p.Pro4754Ala (NM_001374722.1); c.13627C>G, p.Pro4543Ala (NM_001374729.1); c.7369C>G, p.Pro2457Ala (NM_001374730.1, NM_183380.4); c.14287C>G, p.Pro4763Ala (NM_001374734.1); c.6391C>G, p.Pro2131Ala (NM_015548.5); short protein forms P2457A, P2497A, P2635A, P4754A, P4763A, P4543A, P2131A.
Identifiers: ClinVar variation 970484 (VCV000970484.12), dbSNP rs188631490, ClinGen allele CA3868067.

ClinVar aggregate classification (germline): Uncertain significance. Review status: criteria provided, multiple submitters, no conflicts (2 of 4 stars). 2 submissions from 2 submitters: Uncertain significance (2). Last evaluated 2022-06-21.

Conditions:
Epidermolysis bullosa simplex 3, localized or generalized intermediate, with BP230 deficiency (EBS3). Also called: Epidermolysis bullosa simplex, autosomal recessive 2; Epidermolysis bullosa simplex due to BP230 deficiency. Identifiers: Orphanet 412181, MedGen C3809470, MONDO:0014180, OMIM 615425.
Hereditary sensory and autonomic neuropathy type 6. Also called: Neuropathy, hereditary sensory and autonomic, type VI; HSAN VI. Identifiers: Orphanet 314381, MedGen C3539003, MONDO:0013839, OMIM 614653.

Allele frequency attached by ClinVar (database versions not stated): TOPMed 0.00004; gnomAD exomes 0.00006; ESP Exome Variant Server 0.00008; 1000 Genomes Project 0.00020; 1000 Genomes Project 30x 0.00031.
gnomAD v4.1: 102 of 1,613,736 alleles (0.0063%); highest among the groups gnomAD compares: Middle Eastern, 0.13%; no homozygotes.

Submissions (2):

Labcorp Genetics (formerly Invitae), Labcorp
Classification: Uncertain significance for Epidermolysis bullosa simplex 3, localized or generalized intermediate, with BP230 deficiency; Hereditary sensory and autonomic neuropathy type 6. Last evaluated: 2022-06-21. Review status: criteria provided, single submitter. Criteria: Invitae Variant Classification Sherloc (09022015). Collection method: clinical testing. Allele origin: germline.
Comment: The DST gene has multiple clinically relevant transcripts. This variant occurs in alternate transcript NM_015548.4, and corresponds to NM_001723.5:c.*54159C>G in the primary transcript. This sequence change replaces proline, which is neutral and non-polar, with alanine, which is neutral and non-polar, at codon 2131 of the DST protein (p.Pro2131Ala). This variant is present in population databases (rs188631490, gnomAD 0.07%). This variant has not been reported in the literature in individuals affected with DST-related conditions. ClinVar contains an entry for this variant (Variation ID: 970484). Experimental studies and prediction algorithms are not available or were not evaluated, and the functional significance of this variant is currently unknown. In summary, the available evidence is currently insufficient to determine the role of this variant in disease. Therefore, it has been classified as a Variant of Uncertain Significance.

Mayo Clinic Laboratories, Mayo Clinic
Classification: Uncertain significance. Last evaluated: 2019-04-27. Review status: criteria provided, single submitter. Criteria: ACMG Guidelines, 2015. Collection method: clinical testing. Allele origin: germline. Observed: 1 variant allele.